The following is an entry in ClinVar:

NM_000077.5(CDKN2A):c.178G>T (p.Ala60Ser)

Gene: CDKN2A (cyclin dependent kinase inhibitor 2A; minus strand). Cytogenetic location: 9p21.3.
Variant type: single nucleotide variant.
Coding change: c.178G>T on transcript NM_000077.5; coding-DNA position 178, G replaced by T.
Protein change: p.Ala60Ser; replaces alanine 60 with serine.
Molecular consequence: missense variant (on NM_000077.6). On other transcripts: 3 prime UTR variant (1).
Genome position (GRCh38, 1-based): chr9:21,971,181, C>A on the plus strand (G>T on the coding strand, the complement: CDKN2A is on the minus strand). VCF-style: chr9-21971181-C-A. GRCh37 (hg19) VCF-style: chr9-21971180-C-A.
Other names: c.178G>T, p.Ala60Ser (NM_000077.6, NM_001195132.2); c.25G>T, p.Ala9Ser (NM_001363763.2); c.221G>T, p.Gly74Val (NM_058195.4); c.*101G>T (NM_058197.5); short protein forms A60S, A9S, G74V.
Identifiers: ClinVar variation 4868645 (VCV004868645.1).

ClinVar aggregate classification (germline): Uncertain significance (1 of 4 stars; one submission).

Conditions:
Hereditary cancer-predisposing syndrome. Also called: Neoplastic Syndromes, Hereditary; Tumor predisposition; Hereditary neoplastic syndrome; Hereditary Cancer Syndrome. Identifiers: Orphanet 140162, MedGen C0027672, MeSH D009386, MONDO:0015356.

Submission:

Ambry Genetics
Classification: Uncertain significance for Hereditary cancer-predisposing syndrome. Last evaluated: 2026-04-16. Review status: criteria provided, single submitter. Criteria: Ambry Variant Classification Scheme 2023. Collection method: clinical testing. Allele origin: germline.
Comment: The p.A60S variant (also known as c.178G>T), located in coding exon 2 of the CDKN2A gene, results from a G to T substitution at nucleotide position 178. The alanine at codon 60 is replaced by serine, an amino acid with similar properties. Of note, this variant is also known as c.221G>T (p.G74V) in the p14(ARF) isoform. This amino acid position is highly conserved in available vertebrate species. In addition, the in silico prediction for this alteration is inconclusive. Based on the available evidence, the clinical significance of this variant remains unclear.